The following is an entry in ClinVar:

NM_015272.5(RPGRIP1L):c.766A>G (p.Thr256Ala)

Gene: RPGRIP1L (RPGRIP1 like; minus strand). Cytogenetic location: 16q12.2.
Variant type: single nucleotide variant.
Coding change: c.766A>G on transcript NM_015272.5 (MANE Select); coding-DNA position 766, A replaced by G.
Protein change: p.Thr256Ala; replaces threonine 256 with alanine.
Molecular consequence: missense variant.
Genome position (GRCh38, 1-based): chr16:53,686,443, T>C on the plus strand (A>G on the coding strand, the complement: RPGRIP1L is on the minus strand). VCF-style: chr16-53686443-T-C. GRCh37 (hg19) VCF-style: chr16-53720355-T-C.
Other names: c.766A>G, p.Thr256Ala (NM_001127897.4, NM_001308334.3, NM_001330538.2); c.766A>G (NM_015272.4); short protein forms T256A.
Identifiers: ClinVar variation 2310898 (VCV002310898.3), dbSNP rs2544637827, ClinGen allele CA395923749.

ClinVar aggregate classification (germline): Uncertain significance. Review status: criteria provided, single submitter (1 of 4 stars). 2 submissions from 2 submitters: Uncertain significance (1). 1 of the submissions does not count toward it. Last evaluated 2022-09-06.

Conditions:
Inborn genetic diseases. Identifiers: MedGen C0950123, MeSH D030342.
RPGRIP1L-related disorder. Also called: RPGRIP1L-related disorders; RPGRIP1L-related condition. Identifiers: MedGen CN239416.

Allele frequency attached by ClinVar (database versions not stated): gnomAD exomes 0.00001.
gnomAD v4.1: 7 of 1,613,314 alleles (0.00043%); highest among the groups gnomAD compares: Non-Finnish European, 0.00059%; no homozygotes.

Submissions (2):

Ambry Genetics
Classification: Uncertain significance for Inborn genetic diseases. Last evaluated: 2022-09-06. Review status: criteria provided, single submitter. Criteria: Ambry Variant Classification Scheme 2023. Collection method: clinical testing. Allele origin: germline.

PreventionGenetics, part of Exact Sciences
Classification: Uncertain significance for RPGRIP1L-related condition. Last evaluated: 2024-07-11. Review status: no assertion criteria provided. Collection method: clinical testing. Allele origin: germline. Not counted in ClinVar's aggregate classification.
Comment: The RPGRIP1L c.766A>G variant is predicted to result in the amino acid substitution p.Thr256Ala. To our knowledge, this variant has not been reported in the literature or in a large population database, indicating this variant is rare. At this time, the clinical significance of this variant is uncertain due to the absence of conclusive functional and genetic evidence.